The following is an entry in ClinVar:

ClinVar aggregate classification (germline): Uncertain significance. Review status: criteria provided, multiple submitters, no conflicts (2 of 4 stars). 3 submissions from 3 submitters: Uncertain significance (3). Last evaluated 2024-12-03.

Conditions:
Inborn genetic diseases. Identifiers: MedGen C0950123, MeSH D030342.
Pigmentary pallidal degeneration (NBIA1). Also called: Neuroaxonal dystrophy, late infantile; Hallervorden-Spatz disease; PKAN NEUROAXONAL DYSTROPHY, JUVENILE-ONSET; Pantothenate Kinase-Associated Neurodegeneration; Neurodegeneration with brain iron accumulation 1; HARP SYNDROME. Identifiers: Orphanet 157850, MedGen C0018523, MONDO:0009319, OMIM 234200.

Allele frequency attached by ClinVar (database versions not stated): TOPMed 0.00006; gnomAD 0.00007; ESP Exome Variant Server 0.00008; gnomAD exomes 0.00011.
gnomAD v4.1: 173 of 1,614,028 alleles (0.011%); highest among the groups gnomAD compares: Non-Finnish European, 0.014%; no homozygotes.

Submissions (3):

GeneDx
Classification: Uncertain significance. Last evaluated: 2024-12-03. Review status: criteria provided, single submitter. Criteria: GeneDx Variant Classification Process June 2021. Collection method: clinical testing. Allele origin: germline. Affected: yes.
Comment: Not observed at significant frequency in large population cohorts (gnomAD); In silico analysis indicates that this missense variant does not alter protein structure/function; Has not been previously published as pathogenic or benign to our knowledge

Mayo Clinic Laboratories, Mayo Clinic
Classification: Uncertain significance. Last evaluated: 2024-01-31. Review status: criteria provided, single submitter. Criteria: ACMG Guidelines, 2015. Collection method: clinical testing. Allele origin: germline. Observed: 2 variant alleles.

Ambry Genetics
Classification: Uncertain significance for Inborn genetic diseases. Last evaluated: 2023-09-20. Review status: criteria provided, single submitter. Criteria: Ambry Variant Classification Scheme 2023. Collection method: clinical testing. Allele origin: germline.

NM_001386393.1(PANK2):c.713A>T (p.Tyr238Phe)

Gene: PANK2 (pantothenate kinase 2; plus strand). Cytogenetic location: 20p13.
Variant type: single nucleotide variant.
Coding change: c.713A>T on transcript NM_001386393.1 (MANE Select); coding-DNA position 713, A replaced by T.
Protein change: p.Tyr238Phe; replaces tyrosine 238 with phenylalanine.
Molecular consequence: missense variant. On other transcripts: 5 prime UTR variant (1), non-coding transcript variant (1).
Genome position (GRCh38, 1-based): chr20:3,910,638, A>T. VCF-style: chr20-3910638-A-T. GRCh37 (hg19) VCF-style: chr20-3891285-A-T.
Other names: p.Tyr348Phe; c.1043A>T (NM_153638.2, NM_153638.3); c.170A>T, p.Tyr57Phe (NM_001324191.2, NM_024960.6, NM_153640.4); c.-266A>T (NM_001324193.2); c.1043A>T, p.Tyr348Phe (NM_153638.4); short protein forms Y238F, Y348F, Y57F.
Identifiers: ClinVar variation 1810300 (VCV001810300.5), dbSNP rs139048254, ClinGen allele CA311035049.